The following is an entry in ClinVar:

NM_014140.4(SMARCAL1):c.863-9C>G

Gene: SMARCAL1 (SNF2 related chromatin remodeling annealing helicase 1; plus strand). Cytogenetic location: 2q35.
Variant type: single nucleotide variant.
Coding change: c.863-9C>G on transcript NM_014140.4 (MANE Select); 9 bases into the intron before coding-DNA position 863, C replaced by G.
Molecular consequence: intron variant.
Genome position (GRCh38, 1-based): chr2:216,420,290, C>G. VCF-style: chr2-216420290-C-G. GRCh37 (hg19) VCF-style: chr2-217285013-C-G.
Other names: c.863-9C>G (NM_001127207.2).
Identifiers: ClinVar variation 334293 (VCV000334293.24), dbSNP rs188833040, ClinGen allele CA2097728.

ClinVar aggregate classification (germline): Conflicting classifications of pathogenicity. Review status: criteria provided, conflicting classifications (1 of 4 stars). 6 submissions from 6 submitters: Uncertain significance (2); Likely benign (2). 2 of the submissions do not count toward it. Last evaluated 2025-12-22.

Conditions:
SMARCAL1-related disorder. Also called: SMARCAL1-related condition.
Schimke immuno-osseous dysplasia (SIOD). Also called: Schimke Immunoosseous Dysplasia. Identifiers: Orphanet 1830, MedGen C0877024, MONDO:0009458, OMIM 242900.

Allele frequency attached by ClinVar (database versions not stated): gnomAD exomes 0.00008 and 0.00018; ExAC 0.00022; 1000 Genomes Project 30x 0.00047; 1000 Genomes Project 0.00060; gnomAD 0.00061 and 0.00063; ESP Exome Variant Server 0.00062; TOPMed 0.00072.
gnomAD v4.1: 225 of 1,609,536 alleles (0.014%); highest among the groups gnomAD compares: African/African-American, 0.22%; no homozygotes.

Submissions (6):

Labcorp Genetics (formerly Invitae), Labcorp
Classification: Likely benign for Schimke immuno-osseous dysplasia. Last evaluated: 2025-12-22. Review status: criteria provided, single submitter. Criteria: Invitae Variant Classification Sherloc (09022015). Collection method: clinical testing. Allele origin: germline.

Blueprint Genetics
Classification: Likely benign. Last evaluated: 2024-08-28. Review status: criteria provided, single submitter. Criteria: ACMG Guidelines, 2015. Collection method: clinical testing. Allele origin: germline.

Illumina Laboratory Services, Illumina
Classification: Uncertain significance for Schimke immuno-osseous dysplasia. Last evaluated: 2018-01-13. Review status: criteria provided, single submitter. Criteria: ICSL Variant Classification Criteria 13 December 2019. Collection method: clinical testing. Allele origin: germline.

Eurofins Ntd Llc (ga)
Classification: Uncertain significance. Last evaluated: 2017-10-20. Review status: criteria provided, single submitter. Criteria: EGL Classification Definitions 2015. Collection method: clinical testing. Allele origin: germline. Observed: 1 variant allele, 1 heterozygote.

PreventionGenetics, part of Exact Sciences
Classification: Likely benign for SMARCAL1-related condition. Last evaluated: 2024-02-28. Review status: no assertion criteria provided. Collection method: clinical testing. Allele origin: germline. Not counted in ClinVar's aggregate classification.
Comment: This variant is classified as likely benign based on ACMG/AMP sequence variant interpretation guidelines (Richards et al. 2015 PMID: 25741868, with internal and published modifications).

Natera, Inc.
Classification: Likely benign for Schimke immuno-osseous dysplasia. Last evaluated: 2019-12-26. Review status: no assertion criteria provided. Collection method: clinical testing. Allele origin: germline. Not counted in ClinVar's aggregate classification.